The following is an entry in ClinVar:

ClinVar aggregate classification (germline): Uncertain significance (1 of 4 stars; one submission).

Conditions:
Cardiovascular phenotype. Identifiers: MedGen CN230736.

Allele frequency attached by ClinVar (database versions not stated): gnomAD exomes below 0.00001; ExAC 0.00001; TOPMed 0.00001; gnomAD 0.00002.
gnomAD v4.1: 7 of 1,599,232 alleles (0.00044%); highest among the groups gnomAD compares: Admixed American, 0.0017%; no homozygotes.

Submission:

Ambry Genetics
Classification: Uncertain significance for Cardiovascular phenotype. Last evaluated: 2023-04-30. Review status: criteria provided, single submitter. Criteria: Ambry Variant Classification Scheme 2023. Collection method: clinical testing. Allele origin: germline.
Comment: The p.R518G variant (also known as c.1552A>G), located in coding exon 11 of the LMF1 gene, results from an A to G substitution at nucleotide position 1552. The arginine at codon 518 is replaced by glycine, an amino acid with dissimilar properties. This amino acid position is conserved. In addition, this alteration is predicted to be tolerated by in silico analysis. Since supporting evidence is limited at this time, the clinical significance of this alteration remains unclear.

NM_022773.4(LMF1):c.1552A>G (p.Arg518Gly)

Gene: LMF1 (lipase maturation factor 1; minus strand). Cytogenetic location: 16p13.3.
Variant type: single nucleotide variant.
Coding change: c.1552A>G on transcript NM_022773.4 (MANE Select); coding-DNA position 1552, A replaced by G.
Protein change: p.Arg518Gly; replaces arginine 518 with glycine.
Molecular consequence: missense variant. On other transcripts: non-coding transcript variant (1).
Genome position (GRCh38, 1-based): chr16:854,684, T>C on the plus strand (A>G on the coding strand, the complement: LMF1 is on the minus strand). VCF-style: chr16-854684-T-C. GRCh37 (hg19) VCF-style: chr16-904684-T-C.
Other names: c.901A>G, p.Arg301Gly (NM_001352017.2, NM_001352021.2); c.1153A>G, p.Arg385Gly (NM_001352018.2); c.1225A>G, p.Arg409Gly (NM_001352019.2); c.1472A>G, p.Gln491Arg (NM_001352020.1); short protein forms R301G, R409G, Q491R, R518G, R385G.
Identifiers: ClinVar variation 2209292 (VCV002209292.2), dbSNP rs756488965, ClinGen allele CA7796881.